The following is an entry in ClinVar:

NM_133636.5(HELQ):c.1646G>A (p.Arg549His)

Gene: HELQ (helicase, POLQ like; minus strand). Cytogenetic location: 4q21.23.
Variant type: single nucleotide variant.
Coding change: c.1646G>A on transcript NM_133636.5 (MANE Select); coding-DNA position 1646, G replaced by A.
Protein change: p.Arg549His; replaces arginine 549 with histidine.
Molecular consequence: missense variant.
Genome position (GRCh38, 1-based): chr4:83,441,321, C>T on the plus strand (G>A on the coding strand, the complement: HELQ is on the minus strand). VCF-style: chr4-83441321-C-T. GRCh37 (hg19) VCF-style: chr4-84362474-C-T.
Other names: c.1445G>A, p.Arg482His (NM_001297755.2); c.155G>A, p.Arg52His (NM_001297756.2); c.14G>A, p.Arg5His (NM_001297757.2); short protein forms R482H, R52H, R549H, R5H.
Identifiers: ClinVar variation 3050187 (VCV003050187.2), dbSNP rs142206532, ClinGen allele CA2989702.
Genomic context (GRCh38, chr4:83,441,321, plus strand): 5'-ACACAAAGTCTGGTAACCTGGAATTTAAATGTTATCAATGTTACCTTATAATTAAGAAGA[C>T]GTGAAAAAGTCATGCCATTCTCAGCTTTGCTGTCAACTTCATATATTGTATCATTTATTT-3'
Protein context (NP_598375.3, residues 539-559): SKAENGMTFS[Arg549His]LLNYKYSDTL

ClinVar aggregate classification (germline): Benign (0 of 4 stars; one submission).

Conditions:
HELQ-related disorder. Also called: HELQ-related condition.

Allele frequency attached by ClinVar (database versions not stated): gnomAD exomes 0.00045; ExAC 0.00170; gnomAD 0.00559; 1000 Genomes Project 0.00579; TOPMed 0.00606; ESP Exome Variant Server 0.00608; 1000 Genomes Project 30x 0.00625.

Submission:

PreventionGenetics, part of Exact Sciences
Classification: Benign for HELQ-related condition. Last evaluated: 2019-10-04. Review status: no assertion criteria provided. Collection method: clinical testing. Allele origin: germline.
Comment: This variant is classified as benign based on ACMG/AMP sequence variant interpretation guidelines (Richards et al. 2015 PMID: 25741868, with internal and published modifications).